The following is an entry in ClinVar:

NM_001267550.2(TTN):c.83866dup (p.Ala27956fs)

Genes: TTN (titin; minus strand), TTN-AS1 (TTN antisense RNA 1; plus strand). Cytogenetic location: 2q31.2.
Variant type: Duplication.
Coding change: c.83866dup on transcript NM_001267550.2 (MANE Select); coding-DNA position 83866, one base duplicated (G; older notation c.83866dupG).
Protein change: p.Ala27956fs; shifts the reading frame from alanine 27956.
Molecular consequence: frameshift variant.
Genome position (GRCh38, 1-based): chr2:178,562,266, C duplicated on the plus strand (G on the coding strand, the reverse complement: TTN is on the minus strand). VCF-style (leftmost placement, unchanged base first): chr2-178562265-G-GC. GRCh37 (hg19) VCF-style: chr2-179426992-G-GC.
Other names: c.78943dup, p.Ala26315fs (NM_001256850.1); c.56671dup, p.Ala18891fs (NM_003319.4); c.76162dup, p.Ala25388fs (NM_133378.4); c.57046dup, p.Ala19016fs (NM_133432.3); c.57247dup, p.Ala19083fs (NM_133437.4); short protein forms A18891fs, A19016fs, A19083fs, A25388fs, A26315fs, A27956fs.
Identifiers: ClinVar variation 3759628 (VCV003759628.2).

ClinVar aggregate classification (germline): Likely pathogenic (1 of 4 stars; one submission).

Conditions:
Dilated cardiomyopathy 1G (CMD1G). Identifiers: Orphanet 154, MedGen C1858763, MONDO:0011400, OMIM 604145.
Autosomal recessive limb-girdle muscular dystrophy type 2J (LGMDR10). Also called: Limb-girdle muscular dystrophy, type 2J; MUSCULAR DYSTROPHY, LIMB-GIRDLE, AUTOSOMAL RECESSIVE 10. Identifiers: Orphanet 140922, MedGen C1837342, MONDO:0012127, OMIM 608807.

Submission:

Labcorp Genetics (formerly Invitae), Labcorp
Classification: Likely pathogenic for Dilated cardiomyopathy 1G; Autosomal recessive limb-girdle muscular dystrophy type 2J. Last evaluated: 2024-11-04. Review status: criteria provided, single submitter. Criteria: Invitae Variant Classification Sherloc (09022015). Collection method: clinical testing. Allele origin: germline.
Comment: This sequence change creates a premature translational stop signal (p.Ala27956Glyfs*5) in the TTN gene. While this is not anticipated to result in nonsense mediated decay, it is expected to create a truncated TTN protein. This variant is not present in population databases (gnomAD no frequency). This premature translational stop signal has been observed in individual(s) with dilated cardiomyopathy (internal data). This variant is located in the A band of TTN (PMID: 25589632). Truncating variants in this region are significantly overrepresented in patients affected with dilated cardiomyopathy (PMID: 25589632). Truncating variants in this region have also been reported in individuals affected with autosomal recessive centronuclear myopathy (PMID: 23975875). In summary, the currently available evidence indicates that the variant is pathogenic, but additional data are needed to prove that conclusively. Therefore, this variant has been classified as Likely Pathogenic.

Literature cited by the submitters: PubMed 25589632; PubMed 23975875.